The following is an entry in ClinVar:

NM_001130009.3(GEN1):c.1198A>G (p.Ile400Val)

Gene: GEN1 (GEN1 structure-specific endonuclease; plus strand). Cytogenetic location: 2p24.2.
Variant type: single nucleotide variant.
Coding change: c.1198A>G on transcript NM_001130009.3 (MANE Select); coding-DNA position 1198, A replaced by G.
Protein change: p.Ile400Val; replaces isoleucine 400 with valine.
Molecular consequence: missense variant.
Genome position (GRCh38, 1-based): chr2:17,774,397, A>G. VCF-style: chr2-17774397-A-G. GRCh37 (hg19) VCF-style: chr2-17955664-A-G.
Other names: c.1198A>G (NM_001130009.1); c.1198A>G, p.Ile400Val (NM_182625.5); short protein forms I400V.
Identifiers: ClinVar variation 1430873 (VCV001430873.8), dbSNP rs780793654, ClinGen allele CA1540687.

ClinVar aggregate classification (germline): Uncertain significance. Review status: criteria provided, multiple submitters, no conflicts (2 of 4 stars). 2 submissions from 2 submitters: Uncertain significance (2). Last evaluated 2025-03-24.

Allele frequency attached by ClinVar (database versions not stated): gnomAD exomes below 0.00001 and 0.00003; gnomAD 0.00001; TOPMed 0.00002; ExAC 0.00004.
gnomAD v4.1: 9 of 1,599,318 alleles (0.00056%); highest among the groups gnomAD compares: East Asian, 0.016%; no homozygotes.

Submissions (2):

Ambry Genetics
Classification: Uncertain significance. Last evaluated: 2025-03-24. Review status: criteria provided, single submitter. Criteria: Ambry Variant Classification Scheme 2023. Collection method: clinical testing. Allele origin: germline.
Comment: The p.I400V variant (also known as c.1198A>G), located in coding exon 10 of the GEN1 gene, results from an A to G substitution at nucleotide position 1198. The isoleucine at codon 400 is replaced by valine, an amino acid with highly similar properties. This amino acid position is conserved. In addition, this alteration is predicted to be tolerated by in silico analysis. Based on the available evidence, the clinical significance of this variant remains unclear.

Labcorp Genetics (formerly Invitae), Labcorp
Classification: Uncertain significance. Last evaluated: 2022-09-02. Review status: criteria provided, single submitter. Criteria: Invitae Variant Classification Sherloc (09022015). Collection method: clinical testing. Allele origin: germline.
Comment: In summary, the available evidence is currently insufficient to determine the role of this variant in disease. Therefore, it has been classified as a Variant of Uncertain Significance. Algorithms developed to predict the effect of sequence changes on RNA splicing suggest that this variant may disrupt the consensus splice site. Algorithms developed to predict the effect of missense changes on protein structure and function output the following: SIFT: "Tolerated"; PolyPhen-2: "Benign"; Align-GVGD: "Class C0". The valine amino acid residue is found in multiple mammalian species, which suggests that this missense change does not adversely affect protein function. ClinVar contains an entry for this variant (Variation ID: 1430873). This variant has not been reported in the literature in individuals affected with GEN1-related conditions. This variant is present in population databases (rs780793654, gnomAD 0.04%). This sequence change replaces isoleucine, which is neutral and non-polar, with valine, which is neutral and non-polar, at codon 400 of the GEN1 protein (p.Ile400Val).